The following is an entry in ClinVar:

NM_000330.4(RS1):c.218C>A (p.Ser73Ter)

Genes: CDKL5 (cyclin dependent kinase like 5; plus strand), RS1 (retinoschisin 1; minus strand). Cytogenetic location: Xp22.13.
Variant type: single nucleotide variant.
Coding change: c.218C>A on transcript NM_000330.4 (MANE Select); coding-DNA position 218, C replaced by A.
Protein change: p.Ser73Ter; replaces serine 73 with a stop codon.
Molecular consequence: nonsense. On other transcripts: intron variant (2).
Genome position (GRCh38, 1-based): chrX:18,647,299, G>T on the plus strand (C>A on the coding strand, the complement: RS1 is on the minus strand). VCF-style: chrX-18647299-G-T. GRCh37 (hg19) VCF-style: chrX-18665419-G-T.
Other names: c.2797+1209G>T (NM_003159.3, NM_001037343.2); short protein forms S73*.
Identifiers: ClinVar variation 849661 (VCV000849661.10), dbSNP rs1927823203, ClinGen allele CA412372951.

ClinVar aggregate classification (germline): Pathogenic (1 of 4 stars; one submission).

Submission:

Labcorp Genetics (formerly Invitae), Labcorp
Classification: Pathogenic. Last evaluated: 2019-12-26. Review status: criteria provided, single submitter. Criteria: Invitae Variant Classification Sherloc (09022015). Collection method: clinical testing. Allele origin: germline.
Comment: This sequence change creates a premature translational stop signal (p.Ser73*) in the RS1 gene. It is expected to result in an absent or disrupted protein product. This variant is not present in population databases (ExAC no frequency). For these reasons, this variant has been classified as Pathogenic. Loss-of-function variants in RS1 are known to be pathogenic (PMID: 9618178, 17172462). This nonsense change has been observed in individual(s) with X-linked juvenile retinoschisis (PMID: 2328892, 28272453).

Literature cited by the submitters: PubMed 9618178; PubMed 17172462; PubMed 2328892; PubMed 28272453.